The following is an entry in ClinVar:

NM_006445.4(PRPF8):c.6961C>T (p.Gln2321Ter)

Gene: PRPF8 (pre-mRNA processing factor 8; minus strand). Cytogenetic location: 17p13.3.
Variant type: single nucleotide variant.
Coding change: c.6961C>T on transcript NM_006445.4 (MANE Select); coding-DNA position 6961, C replaced by T.
Protein change: p.Gln2321Ter; replaces glutamine 2321 with a stop codon.
Molecular consequence: nonsense.
Genome position (GRCh38, 1-based): chr17:1,650,849, G>A on the plus strand (C>T on the coding strand, the complement: PRPF8 is on the minus strand). VCF-style: chr17-1650849-G-A. GRCh37 (hg19) VCF-style: chr17-1554143-G-A.
Other names: short protein forms Q2321*.
Identifiers: ClinVar variation 2137869 (VCV002137869.6), dbSNP rs2543709616, ClinGen allele CA397561852.

ClinVar aggregate classification (germline): Pathogenic/Likely pathogenic. Review status: criteria provided, multiple submitters, no conflicts (2 of 4 stars). 3 submissions from 3 submitters: Pathogenic (1); Likely pathogenic (2). Last evaluated 2025-01-20.

Conditions:
PRPF8-related disorder. Also called: PRPF8-related condition.
Retinal dystrophy. Also called: Inherited retinal dystrophy. Identifiers: Orphanet 71862, MedGen C0854723, MeSH D058499, MONDO:0019118, HP:0000556.

Submissions (3):

Labcorp Genetics (formerly Invitae), Labcorp
Classification: Likely pathogenic. Last evaluated: 2025-01-20. Review status: criteria provided, single submitter. Criteria: Invitae Variant Classification Sherloc (09022015). Collection method: clinical testing. Allele origin: germline.
Comment: This sequence change creates a premature translational stop signal (p.Gln2321*) in the PRPF8 gene. While this is not anticipated to result in nonsense mediated decay, it is expected to disrupt the last 15 amino acid(s) of the PRPF8 protein. This variant is not present in population databases (gnomAD no frequency). This premature translational stop signal has been observed in individuals with clinical features of retinitis pigmentosa (PMID: 25097241; De Erkenez AC et al. 2002. Invest. Ophthalmol. Vis. Sci. Vol. 43. 791, internal data). ClinVar contains an entry for this variant (Variation ID: 2137869). In summary, the currently available evidence indicates that the variant is pathogenic, but additional data are needed to prove that conclusively. Therefore, this variant has been classified as Likely Pathogenic.

Dept Of Ophthalmology, Nagoya University
Classification: Likely pathogenic for Retinal dystrophy. Last evaluated: 2023-10-01. Review status: criteria provided, single submitter. Criteria: Submitter's publication. Collection method: research. Allele origin: germline. Affected: yes.

Blueprint Genetics
Classification: Pathogenic for PRPF8-related disorders. Last evaluated: 2021-05-07. Review status: criteria provided, single submitter. Criteria: ACMG Guidelines, 2015. Collection method: clinical testing. Allele origin: germline. Affected: yes. Observed: 1 variant allele.

Literature cited by the submitters: PubMed 25097241 (cited by Labcorp Genetics (formerly Invitae), Labcorp); PubMed 2002 (cited by Labcorp Genetics (formerly Invitae), Labcorp); PubMed 43 (cited by Labcorp Genetics (formerly Invitae), Labcorp); PubMed 791 (cited by Labcorp Genetics (formerly Invitae), Labcorp).